The following is an entry in ClinVar:

ClinVar aggregate classification (germline): Uncertain significance (1 of 4 stars; one submission).

Submission:

Labcorp Genetics (formerly Invitae), Labcorp
Classification: Uncertain significance. Last evaluated: 2025-09-04. Review status: criteria provided, single submitter. Criteria: Invitae Variant Classification Sherloc (09022015). Collection method: clinical testing. Allele origin: germline.
Comment: This sequence change replaces glutamic acid, which is acidic and polar, with lysine, which is basic and polar, at codon 115 of the BEST1 protein (p.Glu115Lys). This variant is not present in population databases (gnomAD no frequency). This variant has not been reported in the literature in individuals affected with BEST1-related conditions. Invitae Evidence Modeling of protein sequence and biophysical properties (such as structural, functional, and spatial information, amino acid conservation, physicochemical variation, residue mobility, and thermodynamic stability) indicates that this missense variant is expected to disrupt BEST1 protein function with a positive predictive value of 95%. In summary, the available evidence is currently insufficient to determine the role of this variant in disease. Therefore, it has been classified as a Variant of Uncertain Significance.

NM_004183.4(BEST1):c.343G>A (p.Glu115Lys)

Gene: BEST1 (bestrophin 1; plus strand). Cytogenetic location: 11q12.3.
Variant type: single nucleotide variant.
Coding change: c.343G>A on transcript NM_004183.4 (MANE Select); coding-DNA position 343, G replaced by A.
Protein change: p.Glu115Lys; replaces glutamic acid 115 with lysine.
Molecular consequence: missense variant. On other transcripts: 5 prime UTR variant (1), non-coding transcript variant (1).
Genome position (GRCh38, 1-based): chr11:61,955,813, G>A. VCF-style: chr11-61955813-G-A. GRCh37 (hg19) VCF-style: chr11-61723285-G-A.
Other names: c.-833G>A (NM_001363593.3); c.343G>A, p.Glu115Lys (NM_001440571.1, NM_001440572.1, NM_001440573.1 and 1 more transcripts); c.163G>A, p.Glu55Lys (NM_001440574.1, NM_001440575.1, NM_001440576.1 and 3 more transcripts); c.25G>A, p.Glu9Lys (NM_001363591.3); short protein forms E55K, E9K, E115K.
Identifiers: ClinVar variation 4775438 (VCV004775438.1).